The following is an entry in ClinVar:

NM_000260.4(MYO7A):c.2165_2166delinsA (p.Gly722fs)

Gene: MYO7A (myosin VIIA; plus strand). Cytogenetic location: 11q13.5.
Variant type: Indel.
Coding change: c.2165_2166delinsA on transcript NM_000260.4 (MANE Select); coding-DNA positions 2165 to 2166, GC replaced by A.
Protein change: p.Gly722fs; shifts the reading frame from glycine 722.
Molecular consequence: frameshift variant.
Genome position (GRCh38, 1-based): chr11:77,175,442-77,175,443, GC replaced by A. VCF-style: chr11-77175442-GC-A. GRCh37 (hg19) VCF-style: chr11-76886488-GC-A.
Other names: c.2165_2166delinsA, p.Gly722fs (NM_001127180.2); c.2132_2133delinsA, p.Gly711fs (NM_001369365.1); short protein forms G711fs, G722fs.
Identifiers: ClinVar variation 5011364 (VCV005011364.1).

ClinVar aggregate classification (germline): Pathogenic (1 of 4 stars; one submission).

Conditions:
Usher syndrome type 1 (USH1). Also called: RETINITIS PIGMENTOSA AND CONGENITAL DEAFNESS. Identifiers: Orphanet 231169, Orphanet 886, MedGen C1568247, MONDO:0010168, OMIM 276900.

Submission:

Myriad Genetics, Inc.
Classification: Pathogenic for Usher syndrome type 1. Last evaluated: 2023-08-17. Review status: criteria provided, single submitter. Criteria: Myriad Autosomal Dominant, Autosomal Recessive and X-Linked Classification Criteria (2023). Collection method: clinical testing. Allele origin: unknown.
Comment: NM_000260.3(MYO7A):c.2165_2166delGCinsA(G722Efs*7) is expected to be pathogenic in the context of MYO7A-related disorders. This variant is predicted to lead to an abnormal or absent protein product due to the creation of a premature termination codon in MYO7A, a gene where loss-of-function variants are known to be pathogenic. Please note: this variant was assessed in the context of healthy population screening.